The following is an entry in ClinVar:

ClinVar aggregate classification (germline): Uncertain significance. Review status: criteria provided, multiple submitters, no conflicts (2 of 4 stars). 3 submissions from 3 submitters: Uncertain significance (3). Last evaluated 2023-07-22.

Conditions:
Vici syndrome (VICIS). Identifiers: Orphanet 1493, MedGen C1855772, MONDO:0009452, OMIM 242840.

Allele frequency attached by ClinVar (database versions not stated): ESP Exome Variant Server 0.00008; ExAC 0.00018; gnomAD exomes 0.00024 and 0.00038; gnomAD 0.00029 and 0.00030; TOPMed 0.00031.
gnomAD v4.1: 591 of 1,613,642 alleles (0.037%); highest among the groups gnomAD compares: Non-Finnish European, 0.046%; no homozygotes.

Submissions (3):

Neuberg Centre For Genomic Medicine, NCGM
Classification: Uncertain significance for Vici syndrome. Last evaluated: 2023-07-22. Review status: criteria provided, single submitter. Criteria: ACMG Guidelines, 2015. Collection method: clinical testing. Allele origin: germline. Inheritance: Autosomal recessive inheritance. Affected: yes.
Comment: The missense c.6403G>Ap.Asp2135Asn variant in EPG5 gene has not been reported previously as a pathogenic variant nor as a benign variant, to our knowledge. The p.Asp2135Asn variant is present with allele frquency of 0.02% in gnomAD Exomes. This variant has been submitted to the ClinVar database as Uncertain Significance. Multiple lines of computational evidences Polyphen - Benign, SIFT - Tolerated and MutationTaster - Polymorphism predict no damaging effect on protein structure and function for this variant. The reference amino acid at this position on EPG5 gene is predicted as conserved by GERP++ and PhyloP across 100 vertebrates. The amino acid Asp at position 2135 is changed to a Asn changing protein sequence and it might alter its composition and physico-chemical properties. For these reasons, this variant has been classified as a Variant of Uncertain Significance VUS.

Labcorp Genetics (formerly Invitae), Labcorp
Classification: Uncertain significance for Vici syndrome. Last evaluated: 2022-10-17. Review status: criteria provided, single submitter. Criteria: Invitae Variant Classification Sherloc (09022015). Collection method: clinical testing. Allele origin: germline.
Comment: This sequence change replaces aspartic acid, which is acidic and polar, with asparagine, which is neutral and polar, at codon 2135 of the EPG5 protein (p.Asp2135Asn). This variant is present in population databases (rs202038268, gnomAD 0.05%). This variant has not been reported in the literature in individuals affected with EPG5-related conditions. ClinVar contains an entry for this variant (Variation ID: 639611). Advanced modeling of protein sequence and biophysical properties (such as structural, functional, and spatial information, amino acid conservation, physicochemical variation, residue mobility, and thermodynamic stability) performed at Invitae indicates that this missense variant is not expected to disrupt EPG5 protein function. Algorithms developed to predict the effect of sequence changes on RNA splicing suggest that this variant may create or strengthen a splice site. In summary, the available evidence is currently insufficient to determine the role of this variant in disease. Therefore, it has been classified as a Variant of Uncertain Significance.

GeneDx
Classification: Uncertain significance. Last evaluated: 2020-08-12. Review status: criteria provided, single submitter. Criteria: GeneDx Variant Classification Process June 2021. Collection method: clinical testing. Allele origin: germline. Affected: yes.
Comment: Has not been previously published as pathogenic or benign to our knowledge; In silico analysis, which includes protein predictors and evolutionary conservation, supports that this variant does not alter protein structure/function; In addition, in silico analysis splice predictors suggest this variant may impact gene splicing. In the absence of RNA/functional studies, the actual effect of this sequence change is unknown.

NM_020964.3(EPG5):c.6403G>A (p.Asp2135Asn)

Gene: EPG5 (ectopic P-granules 5 autophagy tethering factor; minus strand). Cytogenetic location: 18q12.3.
Variant type: single nucleotide variant.
Coding change: c.6403G>A on transcript NM_020964.3 (MANE Select); coding-DNA position 6403, G replaced by A.
Protein change: p.Asp2135Asn; replaces aspartic acid 2135 with asparagine.
Molecular consequence: missense variant.
Genome position (GRCh38, 1-based): chr18:45,867,571, C>T on the plus strand (G>A on the coding strand, the complement: EPG5 is on the minus strand). VCF-style: chr18-45867571-C-T. GRCh37 (hg19) VCF-style: chr18-43447536-C-T.
Other names: c.6403G>A, p.Asp2135Asn (LRG_1234t1); short protein forms D2135N.
Identifiers: ClinVar variation 639611 (VCV000639611.11), dbSNP rs202038268, ClinGen allele CA8948286.